The following is an entry in ClinVar:

Conditions:
Breast-ovarian cancer, familial, susceptibility to, 1 (BROVCA1). Also called: BRCA1 Hereditary Breast and Ovarian Cancer; OVARIAN CANCER, SUSCEPTIBILITY TO. Identifiers: Orphanet 145, MedGen C2676676, MONDO:0011450, OMIM 604370. Disease mechanism: loss of function.

Submission:

Brotman Baty Institute, University of Washington
No classification provided (evidence only). Condition: Breast-ovarian cancer, familial 1. Review status: no classification provided. Collection method: in vitro. Allele origin: not applicable. Functional consequence: functionally_normal.
ClinVar note: "not provided" was previously submitted as the classification for the variant. However, the classification appeared to be based only on an observation of functional data so it was converted to no classification on 2025-07-30.

NM_007294.4(BRCA1):c.4986T>A (p.Phe1662Leu)

Gene: BRCA1 (BRCA1 DNA repair associated; minus strand). Cytogenetic location: 17q21.31.
Variant type: single nucleotide variant.
Coding change: c.4986T>A on transcript NM_007294.4 (MANE Select); coding-DNA position 4986, T replaced by A.
Protein change: p.Phe1662Leu; replaces phenylalanine 1662 with leucine.
Molecular consequence: missense variant. On other transcripts: non-coding transcript variant (1).
Genome position (GRCh38, 1-based): chr17:43,070,928, A>T on the plus strand (T>A on the coding strand, the complement: BRCA1 is on the minus strand). VCF-style: chr17-43070928-A-T. GRCh37 (hg19) VCF-style: chr17-41222945-A-T.
Other names: c.4980T>A, p.Phe1660Leu (NM_001407633.1, NM_001407634.1, NM_001407635.1 and 14 more transcripts); c.4986T>A, p.Phe1662Leu (NM_001407652.1, NM_001407593.1, NM_001407594.1 and 8 more transcripts); c.4908T>A, p.Phe1636Leu (NM_001407653.1, NM_001407654.1, NM_001407655.1); c.4905T>A, p.Phe1635Leu (NM_001407656.1, NM_001407657.1, NM_001407658.1); c.4902T>A, p.Phe1634Leu (NM_001407659.1, NM_001407660.1, NM_001407661.1 and 2 more transcripts); c.4860T>A, p.Phe1620Leu (NM_001407671.1, NM_001407672.1, NM_001407673.1 and 11 more transcripts); c.4854T>A, p.Phe1618Leu (NM_001407690.1, NM_001407691.1); c.4845T>A, p.Phe1615Leu (NM_001407692.1, NM_001407694.1, NM_001407695.1 and 13 more transcripts); and 70 more; short protein forms F1615L, F1683L, F558L, F1662L, F1574L, F1614L, F1618L, F1619L.
Identifiers: ClinVar variation 868082 (VCV000868082.3), dbSNP rs2052353460, ClinGen allele CA10591552.